The following is an entry in ClinVar:

NM_000179.3(MSH6):c.1334G>T (p.Ser445Ile)

Gene: MSH6 (mutS homolog 6; plus strand). Cytogenetic location: 2p16.3.
Variant type: single nucleotide variant.
Coding change: c.1334G>T on transcript NM_000179.3 (MANE Select); coding-DNA position 1334, G replaced by T.
Protein change: p.Ser445Ile; replaces serine 445 with isoleucine.
Molecular consequence: missense variant. On other transcripts: non-coding transcript variant (4), intron variant (1).
Genome position (GRCh38, 1-based): chr2:47,799,317, G>T. VCF-style: chr2-47799317-G-T. GRCh37 (hg19) VCF-style: chr2-48026456-G-T.
Other names: c.944G>T, p.Ser315Ile (NM_001281492.2); c.428G>T, p.Ser143Ile (NM_001281493.2, NM_001281494.2, NM_001406811.1 and 6 more transcripts); c.1430G>T, p.Ser477Ile (NM_001406795.1, NM_001406802.1); c.1334G>T, p.Ser445Ile (NM_001406796.1, NM_001406798.1, NM_001406800.1 and 4 more transcripts); c.1037G>T, p.Ser346Ile (NM_001406797.1, NM_001406801.1, NM_001406805.1 and 10 more transcripts); c.809G>T, p.Ser270Ile (NM_001406799.1, NM_001406806.1, NM_001406807.1); c.1256G>T, p.Ser419Ile (NM_001406804.1); c.1340G>T, p.Ser447Ile (NM_001406813.1); and 2 more; short protein forms S143I, S270I, S447I, S419I, S346I, S445I, S315I, S389I.
Identifiers: ClinVar variation 4657648 (VCV004657648.1).

ClinVar aggregate classification (germline): Uncertain significance (1 of 4 stars; one submission).

Conditions:
Hereditary cancer-predisposing syndrome. Also called: Neoplastic Syndromes, Hereditary; Tumor predisposition; Hereditary Cancer Syndrome; Hereditary neoplastic syndrome. Identifiers: Orphanet 140162, MedGen C0027672, MeSH D009386, MONDO:0015356.

Submission:

Ambry Genetics
Classification: Uncertain significance for Hereditary cancer-predisposing syndrome. Last evaluated: 2025-10-08. Review status: criteria provided, single submitter. Criteria: Ambry Variant Classification Scheme 2023. Collection method: clinical testing. Allele origin: germline.
Comment: The p.S445I variant (also known as c.1334G>T), located in coding exon 4 of the MSH6 gene, results from a G to T substitution at nucleotide position 1334. The serine at codon 445 is replaced by isoleucine, an amino acid with dissimilar properties. This amino acid position is conserved. In addition, this alteration is predicted to be tolerated by in silico analysis. Based on the available evidence, the clinical significance of this variant remains unclear.